The following is an entry in ClinVar:

NM_017654.4(SAMD9):c.718A>G (p.Lys240Glu)

Gene: SAMD9 (sterile alpha motif domain containing 9; minus strand). Cytogenetic location: 7q21.2.
Variant type: single nucleotide variant.
Coding change: c.718A>G on transcript NM_017654.4 (MANE Select); coding-DNA position 718, A replaced by G.
Protein change: p.Lys240Glu; replaces lysine 240 with glutamic acid.
Molecular consequence: missense variant.
Genome position (GRCh38, 1-based): chr7:93,105,380, T>C on the plus strand (A>G on the coding strand, the complement: SAMD9 is on the minus strand). VCF-style: chr7-93105380-T-C. GRCh37 (hg19) VCF-style: chr7-92734693-T-C.
Other names: c.718A>G, p.Lys240Glu (NM_001193307.2); short protein forms K240E.
Identifiers: ClinVar variation 3791936 (VCV003791936.1).

ClinVar aggregate classification (germline): Uncertain significance (1 of 4 stars; one submission).

Conditions:
Inborn genetic diseases. Identifiers: MedGen C0950123, MeSH D030342.

gnomAD v4.1: 3 of 1,614,072 alleles (0.00019%); highest among the groups gnomAD compares: Non-Finnish European, 0.00025%; no homozygotes.

Submission:

Ambry Genetics
Classification: Uncertain significance for Inborn genetic diseases. Last evaluated: 2024-12-20. Review status: criteria provided, single submitter. Criteria: Ambry Variant Classification Scheme 2023. Collection method: clinical testing. Allele origin: germline.
Comment: The p.K240E variant (also known as c.718A>G), located in coding exon 1 of the SAMD9 gene, results from an A to G substitution at nucleotide position 718. The lysine at codon 240 is replaced by glutamic acid, an amino acid with similar properties. This amino acid position is conserved. In addition, this alteration is predicted to be tolerated by in silico analysis. Based on the available evidence, the clinical significance of this variant remains unclear.